The following is an entry in ClinVar:

ClinVar aggregate classification (germline): Uncertain significance. Review status: reviewed by expert panel (3 of 4 stars). 4 submissions from 3 submitters: Uncertain significance (1). 3 of the submissions do not count toward it. Last evaluated 2025-04-11.

Conditions:
Arginine:glycine amidinotransferase deficiency (CCDS3). Also called: AGAT deficiency; Creatine deficiency syndrome due to AGAT deficiency; GATM deficiency; L-Arginine:Glycine Amidinotransferase Deficiency; L-Arginine:Glycine Amidinotransferase (AGAT) Deficiency; Cerebral creatine deficiency syndrome 3. Identifiers: Orphanet 35704, MedGen C2675179, MONDO:0012996, OMIM 612718.
Fanconi renotubular syndrome 1. Also called: Toni-Debre-Fanconi syndrome; Neonatal De Toni-Debre-Fanconi syndrome; De Toni-Fanconi syndrome; FRTS1; LUDER-SHELDON SYNDROME. Identifiers: MedGen C4551503, MONDO:0024525, OMIM 134600.

Allele frequency attached by ClinVar (database versions not stated): gnomAD 0.00001; gnomAD exomes 0.00001 and 0.00006; ExAC 0.00002; TOPMed 0.00002.
gnomAD v4.1: 90 of 1,613,710 alleles (0.0056%); highest among the groups gnomAD compares: Non-Finnish European, 0.0073%; no homozygotes.

Submissions (4):

ClinGen Cerebral Creatine Deficiency Syndromes Variant Curation Expert Panel, ClinGen
Classification: Uncertain significance for Arginine:glycine amidinotransferase deficiency. Last evaluated: 2025-04-11. Review status: reviewed by expert panel. Criteria: ClinGen CCDS ACMG Specifications GATM V2.0.0. Collection method: curation. Allele origin: germline. Inheritance: Autosomal recessive inheritance.
Comment: The NM_001482.3: c.1231G>A variant in GATM is a missense variant predicted to cause substitution of aspartate by asparagine at amino acid 411 (p.Asp411Asn). To our knowledge, this variant has not been reported in the literature in an individual with features of AGAT deficiency. The highest population minor allele frequency in gnomAD v4.1.0 is 0.00007289 (86/1179782 alleles) in the European non-Finnish population. This is higher than the ClinGen CCDS VCEP’s threshold for PM2_Supporting (<0.000055), and lower than the threshold for BS1 (Grpmax >0.0001). Therefore, none of the population data codes are met. The computational predictor REVEL gives a score of 0.477 which is neither above nor below the thresholds predicting a damaging (>0.644) or benign (<0.29) impact on AGAT function. There is a ClinVar entry for this variant (Variation ID: 625953). In summary, this variant meets the criteria to be classified as a variant of uncertain significance for AGAT deficiency based on the ACMG/AMP criteria applied, as specified by the ClinGen Cerebral Creatine Deficiency Syndromes Variant Curation Expert Panel (Specifications Version 2.0.0): No criteria met (Classification approved by the ClinGen CCDS VCEP on April 11, 2025).

Labcorp Genetics (formerly Invitae), Labcorp
Classification: Uncertain significance for Arginine:glycine amidinotransferase deficiency. Last evaluated: 2025-01-01. Review status: criteria provided, single submitter. Criteria: Invitae Variant Classification Sherloc (09022015). Collection method: clinical testing. Allele origin: germline. Not counted in ClinVar's aggregate classification.
Comment: This sequence change replaces aspartic acid, which is acidic and polar, with asparagine, which is neutral and polar, at codon 411 of the GATM protein (p.Asp411Asn). This variant is present in population databases (rs768171759, gnomAD 0.003%). This variant has not been reported in the literature in individuals affected with GATM-related conditions. ClinVar contains an entry for this variant (Variation ID: 625953). Invitae Evidence Modeling of protein sequence and biophysical properties (such as structural, functional, and spatial information, amino acid conservation, physicochemical variation, residue mobility, and thermodynamic stability) indicates that this missense variant is expected to disrupt GATM protein function with a positive predictive value of 95%. In summary, the available evidence is currently insufficient to determine the role of this variant in disease. Therefore, it has been classified as a Variant of Uncertain Significance.

Center for Genomics, Ann and Robert H. Lurie Children's Hospital of Chicago
Classification: Uncertain significance for Arginine:glycine amidinotransferase deficiency. Last evaluated: 2018-06-18. Review status: criteria provided, single submitter. Criteria: ACMG Guidelines, 2015. Collection method: clinical testing. Allele origin: germline. Not counted in ClinVar's aggregate classification.
Comment: GATM NM_001482.2 exon 9 p.Asp411Asn (c.1231G>A): This variant has not been reported in the literature but is present in 4/125738 European alleles in the Genome Aggregation Database. Evolutionary conservation and computational predictive tools for this variant are limited or unavailable. In summary, data on this variant is insufficient for disease classification. Therefore, the clinical significance of this variant is uncertain.

Center for Genomics, Ann and Robert H. Lurie Children's Hospital of Chicago
Classification: Uncertain significance for Arginine:glycine amidinotransferase deficiency; Fanconi renotubular syndrome 1. Review status: criteria provided, single submitter. Criteria: ACMG Guidelines, 2015. Collection method: clinical testing. Allele origin: germline. Not counted in ClinVar's aggregate classification.
Comment: the same text as in the submission from Center for Genomics, Ann and Robert H. Lurie Children's Hospital of Chicago above.

NM_001482.3(GATM):c.1231G>A (p.Asp411Asn)

Gene: GATM (glycine amidinotransferase; minus strand). Cytogenetic location: 15q21.1.
Variant type: single nucleotide variant.
Coding change: c.1231G>A on transcript NM_001482.3 (MANE Select); coding-DNA position 1231, G replaced by A.
Protein change: p.Asp411Asn; replaces aspartic acid 411 with asparagine.
Molecular consequence: missense variant.
Genome position (GRCh38, 1-based): chr15:45,362,150, C>T on the plus strand (G>A on the coding strand, the complement: GATM is on the minus strand). VCF-style: chr15-45362150-C-T. GRCh37 (hg19) VCF-style: chr15-45654348-C-T.
Other names: NM_001482.3(GATM):c.1231G>A; p.Asp411Asn; c.844G>A, p.Asp282Asn (NM_001321015.2); short protein forms D411N, D282N.
Identifiers: ClinVar variation 625953 (VCV000625953.8), dbSNP rs768171759, ClinGen allele CA7542755.
Genomic context (GRCh38, chr15:45,362,150, plus strand): 5'-CAAGCTCCATCAGGCCTGTTCAGTCCAAGTAGGACTGTAAGGTGCCTCGGCGCCGGACAT[C>T]GCAGGTCCAGCAATGGAAGCCTCCTCCCAGGGAATTGGCATTACGAATGTTAACTTTAAT-3'
Protein context (NP_001473.1, residues 401-421): LGGGFHCWTC[Asp411Asn]VRRRGTLQSY